The following is an entry in ClinVar:

NM_001382430.1(AKT1):c.751C>T (p.Arg251Cys)

Gene: AKT1 (AKT serine/threonine kinase 1; minus strand). Cytogenetic location: 14q32.33.
Variant type: single nucleotide variant.
Coding change: c.751C>T on transcript NM_001382430.1 (MANE Select); coding-DNA position 751, C replaced by T.
Protein change: p.Arg251Cys; replaces arginine 251 with cysteine.
Molecular consequence: missense variant.
Genome position (GRCh38, 1-based): chr14:104,773,532, G>A on the plus strand (C>T on the coding strand, the complement: AKT1 is on the minus strand). VCF-style: chr14-104773532-G-A. GRCh37 (hg19) VCF-style: chr14-105239869-G-A.
Other names: c.751C>T, p.Arg251Cys (NM_001014431.2, NM_001014432.2, NM_001382431.1 and 3 more transcripts); short protein forms R251C.
Identifiers: ClinVar variation 570835 (VCV000570835.10), dbSNP rs780571834, ClinGen allele CA7374651.

ClinVar aggregate classification (germline): Uncertain significance. Review status: criteria provided, multiple submitters, no conflicts (2 of 4 stars). 2 submissions from 2 submitters: Uncertain significance (2). Last evaluated 2023-08-14.

Conditions:
Cowden syndrome 6 (CWS6). Identifiers: Orphanet 201, MedGen C3554519, MONDO:0014048, OMIM 615109.
Inborn genetic diseases. Identifiers: MedGen C0950123, MeSH D030342.

Allele frequency attached by ClinVar (database versions not stated): gnomAD exomes 0.00002 and 0.00001; gnomAD 0.00003; TOPMed 0.00003; ExAC 0.00002.
gnomAD v4.1: 19 of 1,612,516 alleles (0.0012%); highest among the groups gnomAD compares: Admixed American, 0.0084%; no homozygotes.

Submissions (2):

Labcorp Genetics (formerly Invitae), Labcorp
Classification: Uncertain significance for Cowden syndrome 6. Last evaluated: 2023-08-14. Review status: criteria provided, single submitter. Criteria: Invitae Variant Classification Sherloc (09022015). Collection method: clinical testing. Allele origin: germline.
Comment: This sequence change replaces arginine, which is basic and polar, with cysteine, which is neutral and slightly polar, at codon 251 of the AKT1 protein (p.Arg251Cys). This variant is present in population databases (rs780571834, gnomAD 0.007%). This variant has not been reported in the literature in individuals affected with AKT1-related conditions. ClinVar contains an entry for this variant (Variation ID: 570835). An algorithm developed to predict the effect of missense changes on protein structure and function (PolyPhen-2) suggests that this variant is likely to be tolerated. In summary, the available evidence is currently insufficient to determine the role of this variant in disease. Therefore, it has been classified as a Variant of Uncertain Significance.

Ambry Genetics
Classification: Uncertain significance for Inborn genetic diseases. Last evaluated: 2022-11-15. Review status: criteria provided, single submitter. Criteria: Ambry Variant Classification Scheme 2023. Collection method: clinical testing. Allele origin: germline.
Comment: The p.R251C variant (also known as c.751C>T), located in coding exon 8 of the AKT1 gene, results from a C to T substitution at nucleotide position 751. The arginine at codon 251 is replaced by cysteine, an amino acid with highly dissimilar properties. This amino acid position is conserved. In addition, the in silico prediction for this alteration is inconclusive. Since supporting evidence is limited at this time, the clinical significance of this alteration remains unclear.